The following is an entry in ClinVar:

NM_000286.3(PEX12):c.192T>C (p.Thr64=)

Gene: PEX12 (peroxisomal biogenesis factor 12; minus strand). Cytogenetic location: 17q12.
Variant type: single nucleotide variant.
Coding change: c.192T>C on transcript NM_000286.3 (MANE Select); coding-DNA position 192, T replaced by C.
Protein change: p.Thr64=; no amino-acid change (threonine 64 retained).
Molecular consequence: synonymous variant.
Genome position (GRCh38, 1-based): chr17:35,577,526, A>G on the plus strand (T>C on the coding strand, the complement: PEX12 is on the minus strand). VCF-style: chr17-35577526-A-G. GRCh37 (hg19) VCF-style: chr17-33904545-A-G.
Other names: c.192T>C (NM_000286.2).
Identifiers: ClinVar variation 1531322 (VCV001531322.10), dbSNP rs2072793963, ClinGen allele CA499903721.

ClinVar aggregate classification (germline): Likely benign. Review status: criteria provided, single submitter (1 of 4 stars). 2 submissions from 2 submitters: Likely benign (1). 1 of the submissions does not count toward it. Last evaluated 2024-10-07.

Conditions:
Peroxisome biogenesis disorder 3A (Zellweger). Also called: PEROXISOMAL BIOGENESIS DISORDER 3A (ZELLWEGER); Peroxisome biogenesis disorder 3A. Identifiers: Orphanet 912, MedGen C3553929, MONDO:0013927, OMIM 614859.
PEX12-related disorder. Also called: PEX12-related condition; PEX12-related disorders.

Allele frequency attached by ClinVar (database versions not stated): gnomAD exomes below 0.00001; TOPMed below 0.00001.

Submissions (2):

Labcorp Genetics (formerly Invitae), Labcorp
Classification: Likely benign for Peroxisome biogenesis disorder 3A (Zellweger). Last evaluated: 2024-10-07. Review status: criteria provided, single submitter. Criteria: Invitae Variant Classification Sherloc (09022015). Collection method: clinical testing. Allele origin: germline.

PreventionGenetics, part of Exact Sciences
Classification: Likely benign for PEX12-related condition. Last evaluated: 2021-11-08. Review status: no assertion criteria provided. Collection method: clinical testing. Allele origin: germline. Not counted in ClinVar's aggregate classification.
Comment: This variant is classified as likely benign based on ACMG/AMP sequence variant interpretation guidelines (Richards et al. 2015 PMID: 25741868, with internal and published modifications).